The following is an entry in ClinVar:

NM_005219.5(DIAPH1):c.1268A>C (p.Asp423Ala)

Gene: DIAPH1 (diaphanous related formin 1; minus strand). Cytogenetic location: 5q31.3.
Variant type: single nucleotide variant.
Coding change: c.1268A>C on transcript NM_005219.5 (MANE Select); coding-DNA position 1268, A replaced by C.
Protein change: p.Asp423Ala; replaces aspartic acid 423 with alanine.
Molecular consequence: missense variant.
Genome position (GRCh38, 1-based): chr5:141,577,487, T>G on the plus strand (A>C on the coding strand, the complement: DIAPH1 is on the minus strand). VCF-style: chr5-141577487-T-G. GRCh37 (hg19) VCF-style: chr5-140957054-T-G.
Other names: c.1241A>C, p.Asp414Ala (NM_001079812.3); c.1268A>C, p.Asp423Ala (NM_001314007.2); short protein forms D414A, D423A.
Identifiers: ClinVar variation 2016504 (VCV002016504.4), dbSNP rs2513754384, ClinGen allele CA361528621.
Genomic context (GRCh38, chr5:141,577,487, plus strand): 5'-CTCCACTTAGGCTCAAATTCAAAACTTCTCATAAGCACAGCATCTTACCTGGCCTCATAG[T>G]CATTTCGGACCAAGAGTAAGTGCTGCAGGATGGAAAGGAAGTGTGGCTCTGCCTTTGAAT-3'
Protein context (NP_005210.3, residues 413-433): ILQHLLLVRN[Asp423Ala]YEARPQYYKL

ClinVar aggregate classification (germline): Uncertain significance (1 of 4 stars; one submission).

Conditions:
Autosomal dominant nonsyndromic hearing loss 1. Also called: KONIGSMARK SYNDROME; DEAFNESS, AUTOSOMAL DOMINANT 1, WITH OR WITHOUT THROMBOCYTOPENIA. Identifiers: Orphanet 90635, MedGen C1852282, MONDO:0007424, OMIM 124900.
Progressive microcephaly-seizures-cortical blindness-developmental delay syndrome. Also called: Seizures, cortical blindness, and microcephaly syndrome. Identifiers: Orphanet 477814, MedGen C5567650, MONDO:0014714, OMIM 616632.

Allele frequency attached by ClinVar (database versions not stated): gnomAD exomes below 0.00001.
gnomAD v4.1: 6 of 1,612,060 alleles (0.00037%); highest among the groups gnomAD compares: Non-Finnish European, 0.00051%; no homozygotes.

Submission:

Labcorp Genetics (formerly Invitae), Labcorp
Classification: Uncertain significance for Progressive microcephaly-seizures-cortical blindness-developmental delay syndrome; Autosomal dominant nonsyndromic hearing loss 1. Last evaluated: 2022-07-13. Review status: criteria provided, single submitter. Criteria: Invitae Variant Classification Sherloc (09022015). Collection method: clinical testing. Allele origin: germline.
Comment: This sequence change replaces aspartic acid, which is acidic and polar, with alanine, which is neutral and non-polar, at codon 423 of the DIAPH1 protein (p.Asp423Ala). This variant is not present in population databases (gnomAD no frequency). This variant has not been reported in the literature in individuals affected with DIAPH1-related conditions. Algorithms developed to predict the effect of missense changes on protein structure and function are either unavailable or do not agree on the potential impact of this missense change (SIFT: "Deleterious"; PolyPhen-2: "Not Available"; Align-GVGD: "Class C0"). In summary, the available evidence is currently insufficient to determine the role of this variant in disease. Therefore, it has been classified as a Variant of Uncertain Significance.